The following is an entry in ClinVar:

NM_000404.4(GLB1):c.905G>T (p.Ser302Ile)

Gene: GLB1 (galactosidase beta 1; minus strand). Cytogenetic location: 3p22.3.
Variant type: single nucleotide variant.
Coding change: c.905G>T on transcript NM_000404.4 (MANE Select); coding-DNA position 905, G replaced by T.
Protein change: p.Ser302Ile; replaces serine 302 with isoleucine.
Molecular consequence: missense variant.
Genome position (GRCh38, 1-based): chr3:33,051,892, C>A on the plus strand (G>T on the coding strand, the complement: GLB1 is on the minus strand). VCF-style: chr3-33051892-C-A. GRCh37 (hg19) VCF-style: chr3-33093384-C-A.
Other names: c.815G>T, p.Ser272Ile (NM_001079811.3); c.512G>T, p.Ser171Ile (NM_001135602.3); c.1049G>T, p.Ser350Ile (NM_001317040.2); c.905G>T, p.Ser302Ile (NM_001393580.1); short protein forms S302I, S350I, S171I, S272I.
Identifiers: ClinVar variation 1525293 (VCV001525293.8), dbSNP rs2125523018, ClinGen allele CA352001188.

ClinVar aggregate classification (germline): Uncertain significance (1 of 4 stars; one submission).

Conditions:
GM1 gangliosidosis. Identifiers: Orphanet 354, MedGen C0085131, MONDO:0018149.
Mucopolysaccharidosis, MPS-IV-B (MPS4B). Also called: MORQUIO SYNDROME B; Mucopolysaccharidosis Type IVB (Morquio B Disease); Mucopolysaccharidosis type 4B; Mucopolysaccharidosis type IVB (Morquio); MPS IVB; Mucopolysaccharidosis type IV B. Identifiers: Orphanet 309310, Orphanet 582, MedGen C0086652, MONDO:0009660, OMIM 253010.

Submission:

Labcorp Genetics (formerly Invitae), Labcorp
Classification: Uncertain significance for Mucopolysaccharidosis, MPS-IV-B; GM1 gangliosidosis. Last evaluated: 2022-06-20. Review status: criteria provided, single submitter. Criteria: Invitae Variant Classification Sherloc (09022015). Collection method: clinical testing. Allele origin: germline.
Comment: In summary, the available evidence is currently insufficient to determine the role of this variant in disease. Therefore, it has been classified as a Variant of Uncertain Significance. Advanced modeling of protein sequence and biophysical properties (such as structural, functional, and spatial information, amino acid conservation, physicochemical variation, residue mobility, and thermodynamic stability) performed at Invitae indicates that this missense variant is expected to disrupt GLB1 protein function. This variant has not been reported in the literature in individuals affected with GLB1-related conditions. This variant is not present in population databases (gnomAD no frequency). This sequence change replaces serine, which is neutral and polar, with isoleucine, which is neutral and non-polar, at codon 302 of the GLB1 protein (p.Ser302Ile).